The following is an entry in ClinVar:

NM_000288.4(PEX7):c.94C>T (p.Leu32=)

Gene: PEX7 (peroxisomal biogenesis factor 7; plus strand). Cytogenetic location: 6q23.3.
Variant type: single nucleotide variant.
Coding change: c.94C>T on transcript NM_000288.4 (MANE Select); coding-DNA position 94, C replaced by T.
Protein change: p.Leu32=; no amino-acid change (leucine 32 retained).
Molecular consequence: synonymous variant.
Genome position (GRCh38, 1-based): chr6:136,822,759, C>T. VCF-style: chr6-136822759-C-T. GRCh37 (hg19) VCF-style: chr6-137143897-C-T.
Other names: p.Leu32=.
Identifiers: ClinVar variation 355526 (VCV000355526.23), dbSNP rs886061118, ClinGen allele CA10623035.

ClinVar aggregate classification (germline): Conflicting classifications of pathogenicity. Review status: criteria provided, conflicting classifications (1 of 4 stars). 8 submissions from 7 submitters: Uncertain significance (3); Benign (1); Likely benign (3). 1 of the submissions does not count toward it. Last evaluated 2026-01-28.

Conditions:
Peroxisome biogenesis disorder 9B. Also called: Refsum disease, adult, 2; PEX7-Related Refsum Disease; PEROXISOME BIOGENESIS DISORDER, PEX7-RELATED, ATYPICAL. Identifiers: Orphanet 773, MedGen C2749346, MONDO:0013945, OMIM 614879.
Rhizomelic chondrodysplasia punctata (RCDP). Identifiers: Orphanet 177, MedGen C0282529, MONDO:0015776. Disease mechanism: loss of function.
Rhizomelic chondrodysplasia punctata type 1 (RCDP1). Also called: CHONDRODYSTROPHIA CALCIFICANS PUNCTATA; PEX7-Related Rhizomelic Chondrodysplasia Punctata; PEROXISOME BIOGENESIS DISORDER 9. Identifiers: Orphanet 177, Orphanet 309789, MedGen C1859133, MONDO:0008972, OMIM 215100. Disease mechanism: loss of function.
Inborn genetic diseases. Identifiers: MedGen C0950123, MeSH D030342.

Allele frequency attached by ClinVar (database versions not stated): gnomAD exomes 0.00027; gnomAD 0.00032; TOPMed 0.00041; 1000 Genomes Project 30x 0.00047.
gnomAD v4.1: 197 of 1,474,822 alleles (0.013%); highest among the groups gnomAD compares: East Asian, 0.53%; 1 homozygote.

Submissions (8):

Labcorp Genetics (formerly Invitae), Labcorp
Classification: Benign for Peroxisome biogenesis disorder 9B. Last evaluated: 2026-01-28. Review status: criteria provided, single submitter. Criteria: Invitae Variant Classification Sherloc (09022015). Collection method: clinical testing. Allele origin: germline.

Mayo Clinic Laboratories, Mayo Clinic
Classification: Likely benign. Last evaluated: 2025-12-07. Review status: criteria provided, single submitter. Criteria: ACMG Guidelines, 2015. Collection method: clinical testing. Allele origin: germline. Observed: 1 variant allele.
Comment: BS1, BP4, BP7

Ambry Genetics
Classification: Likely benign for Inborn genetic diseases. Last evaluated: 2025-01-31. Review status: criteria provided, single submitter. Criteria: Ambry Variant Classification Scheme 2023. Collection method: clinical testing. Allele origin: germline.

Blueprint Genetics
Classification: Likely benign. Last evaluated: 2024-10-11. Review status: criteria provided, single submitter. Criteria: ACMG Guidelines, 2015. Collection method: clinical testing. Allele origin: germline.

Eurofins Ntd Llc (ga)
Classification: Uncertain significance. Last evaluated: 2018-08-23. Review status: criteria provided, single submitter. Criteria: EGL ClinVar v180209 classification definitions. Collection method: clinical testing. Allele origin: germline. Observed: 3 variant alleles, 3 heterozygotes.

Illumina Laboratory Services, Illumina
Classification: Uncertain significance for Rhizomelic chondrodysplasia punctata type 1. Last evaluated: 2018-01-12. Review status: criteria provided, single submitter. Criteria: ICSL Variant Classification Criteria 13 December 2019. Collection method: clinical testing. Allele origin: germline.

Illumina Laboratory Services, Illumina
Classification: Uncertain significance for Peroxisome biogenesis disorder 9B. Last evaluated: 2018-01-12. Review status: criteria provided, single submitter. Criteria: ICSL Variant Classification Criteria 13 December 2019. Collection method: clinical testing. Allele origin: germline.

Natera, Inc.
Classification: Likely benign for Rhizomelic Chondrodysplasia Punctata. Last evaluated: 2017-10-16. Review status: no assertion criteria provided. Collection method: clinical testing. Allele origin: germline. Not counted in ClinVar's aggregate classification.